The following is an entry in ClinVar:

NM_170754.4(TNS2):c.2305T>G (p.Ser769Ala)

Gene: TNS2 (tensin 2; plus strand). Cytogenetic location: 12q13.13.
Variant type: single nucleotide variant.
Coding change: c.2305T>G on transcript NM_170754.4 (MANE Select); coding-DNA position 2305, T replaced by G.
Protein change: p.Ser769Ala; replaces serine 769 with alanine.
Molecular consequence: missense variant.
Genome position (GRCh38, 1-based): chr12:53,059,946, T>G. VCF-style: chr12-53059946-T-G. GRCh37 (hg19) VCF-style: chr12-53453730-T-G.
Other names: c.2305T>G, p.Ser769Ala (NM_001416202.1); c.2263T>G, p.Ser755Ala (NM_001416203.1); c.2332T>G, p.Ser778Ala (NM_001416204.1); c.2236T>G, p.Ser746Ala (NM_015319.3); c.1933T>G, p.Ser645Ala (NM_198316.2); c.2335T>G (NM_015319.2); short protein forms S746A, S755A, S769A, S778A, S645A.
Identifiers: ClinVar variation 3682178 (VCV003682178.3).

ClinVar aggregate classification (germline): Uncertain significance. Review status: criteria provided, multiple submitters, no conflicts (2 of 4 stars). 2 submissions from 2 submitters: Uncertain significance (2). Last evaluated 2025-05-15.

gnomAD v4.1: 1 of 1,612,498 alleles (0.000062%); highest among the groups gnomAD compares: Admixed American, 0.0017%; no homozygotes.

Submissions (2):

Ambry Genetics
Classification: Uncertain significance. Last evaluated: 2025-05-15. Review status: criteria provided, single submitter. Criteria: Ambry Variant Classification Scheme 2023. Collection method: clinical testing. Allele origin: germline.

Labcorp Genetics (formerly Invitae), Labcorp
Classification: Uncertain significance. Last evaluated: 2024-06-30. Review status: criteria provided, single submitter. Criteria: Invitae Variant Classification Sherloc (09022015). Collection method: clinical testing. Allele origin: germline.
Comment: This sequence change replaces serine, which is neutral and polar, with alanine, which is neutral and non-polar, at codon 779 of the TNS2 protein (p.Ser779Ala). This variant is not present in population databases (gnomAD no frequency). This variant has not been reported in the literature in individuals affected with TNS2-related conditions. Algorithms developed to predict the effect of missense changes on protein structure and function output the following: SIFT: "Not Available"; PolyPhen-2: "Benign"; Align-GVGD: "Not Available". The alanine amino acid residue is found in multiple mammalian species, which suggests that this missense change does not adversely affect protein function. In summary, the available evidence is currently insufficient to determine the role of this variant in disease. Therefore, it has been classified as a Variant of Uncertain Significance.